The following is an entry in ClinVar:

NM_000090.4(COL3A1):c.3793C>A (p.Leu1265Met)

Gene: COL3A1 (collagen type III alpha 1 chain; plus strand). Cytogenetic location: 2q32.2.
Variant type: single nucleotide variant.
Coding change: c.3793C>A on transcript NM_000090.4 (MANE Select); coding-DNA position 3793, C replaced by A.
Protein change: p.Leu1265Met; replaces leucine 1265 with methionine.
Molecular consequence: missense variant.
Genome position (GRCh38, 1-based): chr2:189,009,191, C>A. VCF-style: chr2-189009191-C-A. GRCh37 (hg19) VCF-style: chr2-189873917-C-A.
Other names: short protein forms L1265M.
Identifiers: ClinVar variation 519611 (VCV000519611.23), dbSNP rs200052168, ClinGen allele CA62563083.
Genomic context (GRCh38, chr2:189,009,191, plus strand): 5'-ATAGAAAGCCTCATTAGTCCTGATGGTTCTCGTAAAAACCCCGCTAGAAACTGCAGAGAC[C>A]TGAAATTCTGCCATCCTGAACTCAAGAGTGGTATGTTTGGTAGTCTTTCATCTTCATGGC-3'
Protein context (NP_000081.2, residues 1255-1275): RKNPARNCRD[Leu1265Met]KFCHPELKSG

ClinVar aggregate classification (germline): Uncertain significance. Review status: criteria provided, multiple submitters, no conflicts (2 of 4 stars). 5 submissions from 5 submitters: Uncertain significance (5). Last evaluated 2025-12-22.

Conditions:
Familial thoracic aortic aneurysm and aortic dissection (TAAD). Also called: Thoracic aortic aneurysms and dissections. Identifiers: Orphanet 91387, MedGen C4707243, MONDO:0019625.
Ehlers-Danlos syndrome, type 4 (EDSVASC). Also called: Ehlers-Danlos syndrome vascular type; Ehlers Danlos syndrome, ecchymotic type; Ehlers Danlos syndrome, arterial type; Ehlers Danlos syndrome, Sack-Barabas type; Ehlers-Danlos Syndrome Type IV. Identifiers: Orphanet 286, MedGen C0268338, MONDO:0017314, OMIM 130050.

Allele frequency attached by ClinVar (database versions not stated): gnomAD 0.00001; gnomAD exomes 0.00001 and 0.00003; TOPMed 0.00001.
gnomAD v4.1: 43 of 1,614,050 alleles (0.0027%); highest among the groups gnomAD compares: Non-Finnish European, 0.0032%; no homozygotes.

Submissions (5):

Labcorp Genetics (formerly Invitae), Labcorp
Classification: Uncertain significance for Ehlers-Danlos syndrome, type 4. Last evaluated: 2025-12-22. Review status: criteria provided, single submitter. Criteria: Invitae Variant Classification Sherloc (09022015). Collection method: clinical testing. Allele origin: germline.
Comment: This sequence change replaces leucine, which is neutral and non-polar, with methionine, which is neutral and non-polar, at codon 1265 of the COL3A1 protein (p.Leu1265Met). This variant is present in population databases (rs200052168, gnomAD 0.0009%). This missense change has been observed in individual(s) with clinical features of COL3A1-related conditions (PMID: 29510914). ClinVar contains an entry for this variant (Variation ID: 519611). Invitae Evidence Modeling of protein sequence and biophysical properties (such as structural, functional, and spatial information, amino acid conservation, physicochemical variation, residue mobility, and thermodynamic stability) indicates that this missense variant is not expected to disrupt COL3A1 protein function with a negative predictive value of 95%. In summary, the available evidence is currently insufficient to determine the role of this variant in disease. Therefore, it has been classified as a Variant of Uncertain Significance.

Ambry Genetics
Classification: Uncertain significance for Familial thoracic aortic aneurysm and aortic dissection. Last evaluated: 2024-12-26. Review status: criteria provided, single submitter. Criteria: Ambry Variant Classification Scheme 2023. Collection method: clinical testing. Allele origin: germline.
Comment: The p.L1265M variant (also known as c.3793C>A), located in coding exon 48 of the COL3A1 gene, results from a C to A substitution at nucleotide position 3793. The leucine at codon 1265 is replaced by methionine, an amino acid with highly similar properties. This variant was reported in individual(s) with features consistent with vascular aneurysm/dissection and/or tendon rupture (Hicks KL et al. J Vasc Surg, 2018 09;68:701-711; Ambry internal data). This amino acid position is highly conserved in available vertebrate species. In addition, this alteration is predicted to be deleterious by in silico analysis. Based on the available evidence, the clinical significance of this variant remains unclear.

All of Us Research Program, National Institutes of Health
Classification: Uncertain significance for Ehlers-Danlos syndrome, type 4. Last evaluated: 2024-09-23. Review status: criteria provided, single submitter. Criteria: ACMG Guidelines, 2015. Collection method: clinical testing. Allele origin: germline. Inheritance: Autosomal dominant inheritance. Observed: 6 variant alleles, 6 heterozygotes.
Comment: This missense variant replaces leucine with methionine at codon 1265 of the COL3A1 protein. Computational prediction is inconclusive regarding the impact of this variant on protein structure and function (internally defined REVEL score threshold 0.5 < inconclusive < 0.7, PMID: 27666373). To our knowledge, functional studies have not been reported for this variant. This variant has been reported in an individual suspected of having genetically triggered vascular disease (PMID: 29510914). This variant has been identified in 3/250658 chromosomes in the general population by the Genome Aggregation Database (gnomAD). The available evidence is insufficient to determine the role of this variant in disease conclusively. Therefore, this variant is classified as a Variant of Uncertain Significance.

This study involves interpretation of variants in research participants for the purpose of population health screening. Participant phenotype was not available at the time of variant classification. Additional details can be found in publication PMID: 35346344, PMCID: PMC8962531

GeneDx
Classification: Uncertain significance. Last evaluated: 2024-06-20. Review status: criteria provided, single submitter. Criteria: GeneDx Variant Classification Process June 2021. Collection method: clinical testing. Allele origin: germline. Affected: yes.
Comment: Not observed at significant frequency in large population cohorts (gnomAD); In silico analysis indicates that this missense variant does not alter protein structure/function; Not located in the triple helical region, where the majority of pathogenic missense variants occur (HGMD); This variant is associated with the following publications: (PMID: 29510914)

Color Diagnostics, LLC DBA Color Health
Classification: Uncertain significance for Familial thoracic aortic aneurysm and aortic dissection. Last evaluated: 2023-12-18. Review status: criteria provided, single submitter. Criteria: ACMG Guidelines, 2015. Collection method: clinical testing. Allele origin: germline.
Comment: This missense variant replaces leucine with methionine at codon 1265 of the COL3A1 protein. Computational prediction is inconclusive regarding the impact of this variant on protein structure and function (internally defined REVEL score threshold 0.5 < inconclusive < 0.7, PMID: 27666373). To our knowledge, functional studies have not been reported for this variant. This variant has been reported in an individual suspected of having genetically triggered vascular disease (PMID: 29510914). This variant has been identified in 3/250658 chromosomes in the general population by the Genome Aggregation Database (gnomAD). The available evidence is insufficient to determine the role of this variant in disease conclusively. Therefore, this variant is classified as a Variant of Uncertain Significance.

Literature cited by the submitters: PubMed 29510914 (cited by 4 submitters).